The following is an entry in ClinVar:

NM_152443.3(RDH12):c.912G>A (p.Trp304Ter)

Genes: GPHN (gephyrin; plus strand), RDH12 (retinol dehydrogenase 12; plus strand), ZFYVE26 (zinc finger FYVE-type containing 26; minus strand). Cytogenetic location: 14q24.1.
Variant type: single nucleotide variant.
Coding change: c.912G>A on transcript NM_152443.3 (MANE Select); coding-DNA position 912, G replaced by A.
Protein change: p.Trp304Ter; replaces tryptophan 304 with a stop codon.
Molecular consequence: nonsense.
Genome position (GRCh38, 1-based): chr14:67,733,809, G>A. VCF-style: chr14-67733809-G-A. GRCh37 (hg19) VCF-style: chr14-68200526-G-A.
Other names: short protein forms W304*.
Identifiers: ClinVar variation 839977 (VCV000839977.14), dbSNP rs2038317129, ClinGen allele CA390154237.

ClinVar aggregate classification (germline): Likely pathogenic. Review status: criteria provided, multiple submitters, no conflicts (2 of 4 stars). 3 submissions from 3 submitters: Likely pathogenic (3). Last evaluated 2024-07-04.

Conditions:
Leber congenital amaurosis (LCA). Also called: Leber's amaurosis. Identifiers: Orphanet 65, MedGen C0339527, MeSH D057130, MONDO:0018998.
RDH12-related disorder. Also called: RDH12-related condition; RDH12-related disorders.
Leber congenital amaurosis 13 (LCA13). Identifiers: MedGen C2675186, MONDO:0012990, OMIM 612712.

Allele frequency attached by ClinVar (database versions not stated): gnomAD exomes below 0.00001.
gnomAD v4.1: 1 of 1,613,476 alleles (0.000062%); highest among the groups gnomAD compares: Non-Finnish European, 0.000085%; no homozygotes.

Submissions (3):

Natera, Inc.
Classification: Likely pathogenic for Leber congenital amaurosis. Last evaluated: 2024-07-04. Review status: criteria provided, single submitter. Criteria: Natera Variant Classification Schema (03/2026). Collection method: clinical testing. Allele origin: germline.
Comment: The c.912G>A variant in RDH12 is a nonsense variant predicted to introduce a stop codon at amino acid 304. This variant may result in a truncated or dysfunctional protein product. This variant is rare in the general population with a frequency below the threshold expected for the associated phenotype(s). This variant has been observed in one or more individuals affected with the associated recessive disease, as either homozygous or compound heterozygous with a second variant (PMID: 20736127, 22261762). Given the available evidence, this variant is classified as Likely Pathogenic.

Labcorp Genetics (formerly Invitae), Labcorp
Classification: Likely pathogenic for Leber congenital amaurosis 13. Last evaluated: 2023-10-02. Review status: criteria provided, single submitter. Criteria: Invitae Variant Classification Sherloc (09022015). Collection method: clinical testing. Allele origin: germline.
Comment: This sequence change creates a premature translational stop signal (p.Trp304*) in the RDH12 gene. While this is not anticipated to result in nonsense mediated decay, it is expected to disrupt the last 13 amino acid(s) of the RDH12 protein. This variant is not present in population databases (gnomAD no frequency). This premature translational stop signal has been observed in individuals with Leber congenital amaurosis (PMID: 20736127, 24625443). ClinVar contains an entry for this variant (Variation ID: 839977). This variant disrupts a region of the RDH12 protein in which other variant(s) (p.Trp304Arg) have been observed in individuals with RDH12-related conditions (PMID: 27208204). This suggests that this is a clinically significant region of the protein, and that variants that disrupt it are likely to be disease-causing. In summary, the currently available evidence indicates that the variant is pathogenic, but additional data are needed to prove that conclusively. Therefore, this variant has been classified as Likely Pathogenic.

Blueprint Genetics
Classification: Likely pathogenic for RDH12-related disorders. Last evaluated: 2022-09-30. Review status: criteria provided, single submitter. Criteria: ACMG Guidelines, 2015. Collection method: clinical testing. Allele origin: germline. Affected: yes. Observed: 1 variant allele.

Literature cited by the submitters: PubMed 20736127 (cited by Natera, Inc. and Labcorp Genetics (formerly Invitae), Labcorp); PubMed 22261762 (cited by Natera, Inc.); PubMed 24625443 (cited by Labcorp Genetics (formerly Invitae), Labcorp); PubMed 27208204 (cited by Labcorp Genetics (formerly Invitae), Labcorp).